The following is an entry in ClinVar:

NM_000388.4(CASR):c.2429G>C (p.Ser810Thr)

Gene: CASR (calcium sensing receptor; plus strand). Cytogenetic location: 3q21.1.
Variant type: single nucleotide variant.
Coding change: c.2429G>C on transcript NM_000388.4 (MANE Select); coding-DNA position 2429, G replaced by C.
Protein change: p.Ser810Thr; replaces serine 810 with threonine.
Molecular consequence: missense variant.
Genome position (GRCh38, 1-based): chr3:122,284,383, G>C. VCF-style: chr3-122284383-G-C. GRCh37 (hg19) VCF-style: chr3-122003230-G-C.
Other names: c.2459G>C, p.Ser820Thr (NM_001178065.2); short protein forms S810T, S820T.
Identifiers: ClinVar variation 2195359 (VCV002195359.4), dbSNP rs2074938472, ClinGen allele CA354159782.

ClinVar aggregate classification (germline): Uncertain significance (1 of 4 stars; one submission).

Conditions:
Autosomal dominant hypocalcemia 1 (HYPOC1). Also called: HYPOCALCEMIA, FAMILIAL. Identifiers: MedGen C3715128, MONDO:0011013, OMIM 601198.
Familial hypocalciuric hypercalcemia (FHH). Also called: Familial benign hypercalcemia. Identifiers: Orphanet 405, MedGen C1809471, MONDO:0018458.

Submission:

Labcorp Genetics (formerly Invitae), Labcorp
Classification: Uncertain significance for Familial hypocalciuric hypercalcemia; Autosomal dominant hypocalcemia 1. Last evaluated: 2022-02-11. Review status: criteria provided, single submitter. Criteria: Invitae Variant Classification Sherloc (09022015). Collection method: clinical testing. Allele origin: germline.
Comment: This sequence change replaces serine, which is neutral and polar, with threonine, which is neutral and polar, at codon 810 of the CASR protein (p.Ser810Thr). In summary, the available evidence is currently insufficient to determine the role of this variant in disease. Therefore, it has been classified as a Variant of Uncertain Significance. Algorithms developed to predict the effect of missense changes on protein structure and function are either unavailable or do not agree on the potential impact of this missense change (SIFT: "Deleterious"; PolyPhen-2: "Possibly Damaging"; Align-GVGD: "Class C0"). This variant has not been reported in the literature in individuals affected with CASR-related conditions. This variant is not present in population databases (gnomAD no frequency).